The following is an entry in ClinVar:

ClinVar aggregate classification (germline): Uncertain significance (1 of 4 stars; one submission).

Submission:

Labcorp Genetics (formerly Invitae), Labcorp
Classification: Uncertain significance. Last evaluated: 2024-10-25. Review status: criteria provided, single submitter. Criteria: Invitae Variant Classification Sherloc (09022015). Collection method: clinical testing. Allele origin: germline.
Comment: This sequence change replaces alanine, which is neutral and non-polar, with serine, which is neutral and polar, at codon 1720 of the ATR protein (p.Ala1720Ser). This variant is not present in population databases (gnomAD no frequency). This variant has not been reported in the literature in individuals affected with ATR-related conditions. ClinVar contains an entry for this variant (Variation ID: 2103437). An algorithm developed to predict the effect of missense changes on protein structure and function (PolyPhen-2) suggests that this variant is likely to be disruptive. In summary, the available evidence is currently insufficient to determine the role of this variant in disease. Therefore, it has been classified as a Variant of Uncertain Significance.

NM_001184.4(ATR):c.5158G>T (p.Ala1720Ser)

Gene: ATR (ATR checkpoint kinase; minus strand). Cytogenetic location: 3q23.
Variant type: single nucleotide variant.
Coding change: c.5158G>T on transcript NM_001184.4 (MANE Select); coding-DNA position 5158, G replaced by T.
Protein change: p.Ala1720Ser; replaces alanine 1720 with serine.
Molecular consequence: missense variant.
Genome position (GRCh38, 1-based): chr3:142,505,177, C>A on the plus strand (G>T on the coding strand, the complement: ATR is on the minus strand). VCF-style: chr3-142505177-C-A. GRCh37 (hg19) VCF-style: chr3-142224019-C-A.
Other names: c.4966G>T, p.Ala1656Ser (NM_001354579.2); short protein forms A1720S, A1656S.
Identifiers: ClinVar variation 2103437 (VCV002103437.4), dbSNP rs2108355324, ClinGen allele CA354819817.